The following is an entry in ClinVar:

ClinVar aggregate classification (germline): Uncertain significance (1 of 4 stars; one submission).

Submission:

CeGaT Center for Human Genetics Tuebingen
Classification: Uncertain significance. Last evaluated: 2026-07-01. Review status: criteria provided, single submitter. Criteria: CeGaT Center For Human Genetics Tuebingen Variant Classification Criteria Version 2. Collection method: clinical testing. Allele origin: germline. Affected: yes. Observed: 1 variant allele.
Comment: CPLANE1: PM2, PVS1:Moderate

NM_001384732.1(CPLANE1):c.51del (p.Lys17fs)

Gene: CPLANE1 (ciliogenesis and planar polarity effector complex subunit 1; minus strand). Cytogenetic location: 5p13.2.
Variant type: Deletion.
Coding change: c.51del on transcript NM_001384732.1 (MANE Select); coding-DNA position 51, one base deleted (A; older notation c.51delA).
Protein change: p.Lys17fs; shifts the reading frame from lysine 17.
Molecular consequence: frameshift variant.
Genome position (GRCh38, 1-based): chr5:37,247,648, T deleted on the plus strand (A on the coding strand, the reverse complement: CPLANE1 is on the minus strand); the first of 6 consecutive T bases (chr5:37,247,648-37,247,653); deleting any one gives the same sequence. VCF-style (leftmost placement, unchanged base first): chr5-37247647-GT-G. GRCh37 (hg19) VCF-style: chr5-37247749-GT-G.
Other names: c.51del, p.Lys17fs (NM_023073.4); short protein forms K17fs.
Identifiers: ClinVar variation 5040113 (VCV005040113.1).